The following is an entry in ClinVar:

NM_000632.4(ITGAM):c.3005A>G (p.Glu1002Gly)

Gene: ITGAM (integrin subunit alpha M; plus strand). Cytogenetic location: 16p11.2.
Variant type: single nucleotide variant.
Coding change: c.3005A>G on transcript NM_000632.4 (MANE Select); coding-DNA position 3005, A replaced by G.
Protein change: p.Glu1002Gly; replaces glutamic acid 1002 with glycine.
Molecular consequence: missense variant.
Genome position (GRCh38, 1-based): chr16:31,330,109, A>G. VCF-style: chr16-31330109-A-G. GRCh37 (hg19) VCF-style: chr16-31341430-A-G.
Other names: c.3008A>G, p.Glu1003Gly (NM_001145808.2); short protein forms E1002G, E1003G.
Identifiers: ClinVar variation 1062262 (VCV001062262.6), dbSNP rs199500473, ClinGen allele CA8026042.
Genomic context (GRCh38, chr16:31,330,109, plus strand): 5'-TCTGCCCCTTCTCAGTGCGTCTCTTTCCTCAGAACCTCTCGAGTACGTGCCACACCAAGG[A>G]GCGCTTGCCCTCTCACTCCGACTTTCTGGCTGAGCTTCGGAAGGCCCCCGTGGTGGTGAG-3'
Protein context (NP_000623.2, residues 992-1012): ENLSSTCHTK[Glu1002Gly]RLPSHSDFLA

ClinVar aggregate classification (germline): Uncertain significance (1 of 4 stars; one submission).

Allele frequency attached by ClinVar (database versions not stated): ESP Exome Variant Server 0.00040; gnomAD 0.00047 and 0.00049; TOPMed 0.00048; gnomAD exomes 0.00055 and 0.00081; ExAC 0.00058.
gnomAD v4.1: 1,233 of 1,613,736 alleles (0.076%); highest among the groups gnomAD compares: Non-Finnish European, 0.095%; 2 homozygotes.

Submission:

Labcorp Genetics (formerly Invitae), Labcorp
Classification: Uncertain significance. Last evaluated: 2025-01-21. Review status: criteria provided, single submitter. Criteria: Invitae Variant Classification Sherloc (09022015). Collection method: clinical testing. Allele origin: germline.
Comment: This sequence change replaces glutamic acid, which is acidic and polar, with glycine, which is neutral and non-polar, at codon 1002 of the ITGAM protein (p.Glu1002Gly). This variant is present in population databases (rs199500473, gnomAD 0.09%), and has an allele count higher than expected for a pathogenic variant. This variant has not been reported in the literature in individuals affected with ITGAM-related conditions. ClinVar contains an entry for this variant (Variation ID: 1062262). An algorithm developed to predict the effect of missense changes on protein structure and function (PolyPhen-2) suggests that this variant is likely to be disruptive. Algorithms developed to predict the effect of sequence changes on RNA splicing suggest that this variant may disrupt the consensus splice site. In summary, the available evidence is currently insufficient to determine the role of this variant in disease. Therefore, it has been classified as a Variant of Uncertain Significance.